The following is an entry in ClinVar:

NM_182931.3(KMT2E):c.3563dup (p.Ser1189fs)

Gene: KMT2E (lysine methyltransferase 2E (inactive); plus strand). Cytogenetic location: 7q22.3.
Variant type: Duplication.
Coding change: c.3563dup on transcript NM_182931.3 (MANE Select); coding-DNA position 3563, one base duplicated (C; older notation c.3563dupC).
Protein change: p.Ser1189fs; shifts the reading frame from serine 1189.
Molecular consequence: frameshift variant.
Genome position (GRCh38, 1-based): chr7:105,109,036, C duplicated. VCF-style (leftmost placement, unchanged base first): chr7-105109035-G-GC. GRCh37 (hg19) VCF-style: chr7-104749482-G-GC.
Other names: c.3563dup, p.Ser1189fs (NM_001410908.1, NM_018682.4); short protein forms S1189fs.
Identifiers: ClinVar variation 4532361 (VCV004532361.2).

ClinVar aggregate classification (germline): Pathogenic (1 of 4 stars; one submission).

Submission:

GeneDx
Classification: Pathogenic. Last evaluated: 2026-07-17. Review status: criteria provided, single submitter. Criteria: GeneDx Variant Classification Process June 2021. Collection method: clinical testing. Allele origin: germline.
Comment: Frameshift variant predicted to result in protein truncation or nonsense mediated decay in a gene for which loss of function is a known mechanism of disease; Not observed at significant frequency in large population cohorts (gnomAD); Has not been previously published as pathogenic or benign to our knowledge